The following is an entry in ClinVar:

ClinVar aggregate classification (germline): Uncertain significance (1 of 4 stars; one submission).

Conditions:
Cardiovascular phenotype. Identifiers: MedGen CN230736.

Allele frequency attached by ClinVar (database versions not stated): ExAC 0.00003; gnomAD 0.00002; gnomAD exomes 0.00001.

Submission:

Ambry Genetics
Classification: Uncertain significance for Cardiovascular phenotype. Last evaluated: 2025-04-23. Review status: criteria provided, single submitter. Criteria: Ambry Variant Classification Scheme 2023. Collection method: clinical testing. Allele origin: germline.
Comment: The p.A151V variant (also known as c.452C>T), located in coding exon 2 of the TCAP gene, results from a C to T substitution at nucleotide position 452. The alanine at codon 151 is replaced by valine, an amino acid with similar properties. This amino acid position is conserved. In addition, this alteration is predicted to be tolerated by in silico analysis. Based on the available evidence, the clinical significance of this variant remains unclear.

NM_003673.4(TCAP):c.452C>T (p.Ala151Val)

Gene: TCAP (titin-cap; plus strand). Cytogenetic location: 17q12.
Variant type: single nucleotide variant.
Coding change: c.452C>T on transcript NM_003673.4 (MANE Select); coding-DNA position 452, C replaced by T.
Protein change: p.Ala151Val; replaces alanine 151 with valine.
Molecular consequence: missense variant.
Genome position (GRCh38, 1-based): chr17:39,666,057, C>T. VCF-style: chr17-39666057-C-T. GRCh37 (hg19) VCF-style: chr17-37822310-C-T.
Other names: short protein forms A151V.
Identifiers: ClinVar variation 2392492 (VCV002392492.3), dbSNP rs763965899, ClinGen allele CA8532911.